The following is an entry in ClinVar:

ClinVar aggregate classification (germline): Uncertain significance (1 of 4 stars; one submission).

Conditions:
Imerslund-Grasbeck syndrome. Also called: PERNICIOUS ANEMIA, JUVENILE, DUE TO SELECTIVE INTESTINAL MALABSORPTION OF VITAMIN B12, WITH PROTEINURIA; Imerslund-Gräsbeck syndrome; ENTEROCYTE COBALAMIN MALABSORPTION; ENTEROCYTE INTRINSIC FACTOR RECEPTOR, DEFECT OF; Megaloblastic anemia due to inborn errors of metabolism. Identifiers: Orphanet 35858, MedGen C4551825, MONDO:0009853.

Allele frequency attached by ClinVar (database versions not stated): gnomAD exomes below 0.00001; TOPMed 0.00002; ESP Exome Variant Server 0.00008.
gnomAD v4.1: 3 of 1,613,502 alleles (0.00019%); highest among the groups gnomAD compares: Non-Finnish European, 0.00025%; no homozygotes.

Submission:

Labcorp Genetics (formerly Invitae), Labcorp
Classification: Uncertain significance for Imerslund-Grasbeck syndrome. Last evaluated: 2024-10-15. Review status: criteria provided, single submitter. Criteria: Invitae Variant Classification Sherloc (09022015). Collection method: clinical testing. Allele origin: germline.
Comment: This sequence change replaces histidine, which is basic and polar, with asparagine, which is neutral and polar, at codon 639 of the CUBN protein (p.His639Asn). This variant is present in population databases (rs370816201, gnomAD 0.0009%). This variant has not been reported in the literature in individuals affected with CUBN-related conditions. ClinVar contains an entry for this variant (Variation ID: 1405150). Invitae Evidence Modeling of protein sequence and biophysical properties (such as structural, functional, and spatial information, amino acid conservation, physicochemical variation, residue mobility, and thermodynamic stability) indicates that this missense variant is not expected to disrupt CUBN protein function with a negative predictive value of 80%. In summary, the available evidence is currently insufficient to determine the role of this variant in disease. Therefore, it has been classified as a Variant of Uncertain Significance.

NM_001081.4(CUBN):c.1915C>A (p.His639Asn)

Gene: CUBN (cubilin; minus strand). Cytogenetic location: 10p13.
Variant type: single nucleotide variant.
Coding change: c.1915C>A on transcript NM_001081.4 (MANE Select); coding-DNA position 1915, C replaced by A.
Protein change: p.His639Asn; replaces histidine 639 with asparagine.
Molecular consequence: missense variant.
Genome position (GRCh38, 1-based): chr10:17,088,196, G>T on the plus strand (C>A on the coding strand, the complement: CUBN is on the minus strand). VCF-style: chr10-17088196-G-T. GRCh37 (hg19) VCF-style: chr10-17130195-G-T.
Other names: short protein forms H639N.
Identifiers: ClinVar variation 1405150 (VCV001405150.6), dbSNP rs370816201, ClinGen allele CA203588349.
Genomic context (GRCh38, chr10:17,088,196, plus strand): 5'-TATGTTCTATCTAAATATAATTATTTACCTCAAGGTAATCTTTGTTGCAGTCATCATGGT[G>T]CTCGAGGCTCAAGGTCCCAAAAGTAAATGTTACCAGGAGGTCAGGACTAGTTACAACAAT-3'
Protein context (NP_001072.2, residues 629-649): TFTFGTLSLE[His639Asn]HDDCNKDYLE